The following is an entry in ClinVar:

NM_003849.4(SUCLG1):c.549T>G (p.Ile183Met)

Gene: SUCLG1 (succinate-CoA ligase GDP/ADP-forming subunit alpha; minus strand). Cytogenetic location: 2p11.2.
Variant type: single nucleotide variant.
Coding change: c.549T>G on transcript NM_003849.4 (MANE Select); coding-DNA position 549, T replaced by G.
Protein change: p.Ile183Met; replaces isoleucine 183 with methionine.
Molecular consequence: missense variant.
Genome position (GRCh38, 1-based): chr2:84,441,087, A>C on the plus strand (T>G on the coding strand, the complement: SUCLG1 is on the minus strand). VCF-style: chr2-84441087-A-C. GRCh37 (hg19) VCF-style: chr2-84668211-A-C.
Other names: short protein forms I183M.
Identifiers: ClinVar variation 1964898 (VCV001964898.5), dbSNP rs1672764290, ClinGen allele CA347515498.

ClinVar aggregate classification (germline): Uncertain significance (1 of 4 stars; one submission).

Conditions:
Mitochondrial DNA depletion syndrome 9 (MTDPS9). Also called: SUCLG1-Related Mitochondrial DNA Depletion Syndrome, Encephalomyopathic Form with Methylmalonic Aciduria. Identifiers: Orphanet 17, MedGen C3151476, MONDO:0009504, OMIM 245400.

Allele frequency attached by ClinVar (database versions not stated): TOPMed below 0.00001; gnomAD 0.00001.
gnomAD v4.1: 1 of 1,614,068 alleles (0.000062%); highest among the groups gnomAD compares: African/African-American, 0.0013%; no homozygotes.

Submission:

Labcorp Genetics (formerly Invitae), Labcorp
Classification: Uncertain significance for Mitochondrial DNA depletion syndrome 9. Last evaluated: 2022-06-08. Review status: criteria provided, single submitter. Criteria: Invitae Variant Classification Sherloc (09022015). Collection method: clinical testing. Allele origin: germline.
Comment: In summary, the available evidence is currently insufficient to determine the role of this variant in disease. Therefore, it has been classified as a Variant of Uncertain Significance. Algorithms developed to predict the effect of missense changes on protein structure and function are either unavailable or do not agree on the potential impact of this missense change (SIFT: "Deleterious"; PolyPhen-2: "Possibly Damaging"; Align-GVGD: "Class C0"). This variant has not been reported in the literature in individuals affected with SUCLG1-related conditions. This variant is not present in population databases (gnomAD no frequency). This sequence change replaces isoleucine, which is neutral and non-polar, with methionine, which is neutral and non-polar, at codon 183 of the SUCLG1 protein (p.Ile183Met).